The following is an entry in ClinVar:

ClinVar aggregate classification (germline): Uncertain significance (1 of 4 stars; one submission).

Submission:

GeneDx
Classification: Uncertain significance. Last evaluated: 2024-08-28. Review status: criteria provided, single submitter. Criteria: GeneDx Variant Classification Process June 2021. Collection method: clinical testing. Allele origin: germline. Affected: yes.
Comment: Not observed at significant frequency in large population cohorts (gnomAD); Canonical splice site variant in a gene or region of a gene for which loss of function is not a well-established mechanism of disease; Has not been previously published as pathogenic or benign to our knowledge

NM_178526.5(SLC25A42):c.82-2A>T

Gene: SLC25A42 (solute carrier family 25 member 42; plus strand). Cytogenetic location: 19p13.11.
Variant type: single nucleotide variant.
Coding change: c.82-2A>T on transcript NM_178526.5 (MANE Select); the canonical splice acceptor site of the intron before coding-DNA position 82, A replaced by T.
Molecular consequence: splice acceptor variant.
Genome position (GRCh38, 1-based): chr19:19,101,779, A>T. VCF-style: chr19-19101779-A-T. GRCh37 (hg19) VCF-style: chr19-19212588-A-T.
Other names: c.82-2A>T (NM_001321544.2).
Identifiers: ClinVar variation 3766351 (VCV003766351.1).